The following is an entry in ClinVar:

NM_001037333.3(CYFIP2):c.983A>T (p.Asn328Ile)

Gene: CYFIP2 (cytoplasmic FMR1 interacting protein 2; plus strand). Cytogenetic location: 5q33.3.
Variant type: single nucleotide variant.
Coding change: c.983A>T on transcript NM_001037333.3 (MANE Select); coding-DNA position 983, A replaced by T.
Protein change: p.Asn328Ile; replaces asparagine 328 with isoleucine.
Molecular consequence: missense variant.
Genome position (GRCh38, 1-based): chr5:157,309,825, A>T. VCF-style: chr5-157309825-A-T. GRCh37 (hg19) VCF-style: chr5-156736833-A-T.
Other names: c.905A>T, p.Asn302Ile (NM_001291721.2); c.983A>T, p.Asn328Ile (NM_001291722.2, NM_014376.4); short protein forms N302I, N328I.
Identifiers: ClinVar variation 1695558 (VCV001695558.2), dbSNP rs773104584, ClinGen allele CA361967870.

ClinVar aggregate classification (germline): Uncertain significance (1 of 4 stars; one submission).

Submission:

GeneDx
Classification: Uncertain significance. Last evaluated: 2022-01-06. Review status: criteria provided, single submitter. Criteria: GeneDx Variant Classification Process June 2021. Collection method: clinical testing. Allele origin: germline. Affected: yes.
Comment: Not observed at significant frequency in large population cohorts (gnomAD); In silico analysis supports that this missense variant has a deleterious effect on protein structure/function; Has not been previously published as pathogenic or benign to our knowledge